The following is an entry in ClinVar:

ClinVar aggregate classification (germline): Conflicting classifications of pathogenicity. Review status: criteria provided, conflicting classifications (1 of 4 stars). 4 submissions from 4 submitters: Uncertain significance (1); Likely benign (1). 2 of the submissions do not count toward it. Last evaluated 2025-12-18.

Conditions:
MYO7A-related disorder. Also called: MYO7A-related disorders.
Usher syndrome type 1B (USH1B). Also called: Usher syndrome type IB. Identifiers: MedGen C1848638, MONDO:0700087.

Allele frequency attached by ClinVar (database versions not stated): gnomAD exomes 0.00002 and 0.00006; ExAC 0.00007; 1000 Genomes Project 30x 0.00016; 1000 Genomes Project 0.00020; gnomAD 0.00021 and 0.00022; TOPMed 0.00029; ESP Exome Variant Server 0.00032.
gnomAD v4.1: 60 of 1,611,642 alleles (0.0037%); highest among the groups gnomAD compares: African/African-American, 0.059%; 1 homozygote.

Submissions (4):

Labcorp Genetics (formerly Invitae), Labcorp
Classification: Likely benign. Last evaluated: 2025-12-18. Review status: criteria provided, single submitter. Criteria: Invitae Variant Classification Sherloc (09022015). Collection method: clinical testing. Allele origin: germline.

Eurofins Ntd Llc (ga)
Classification: Uncertain significance. Last evaluated: 2015-10-01. Review status: criteria provided, single submitter. Criteria: EGL Classification Definitions 2015. Collection method: clinical testing. Allele origin: germline. Observed: 1 variant allele, 1 heterozygote.

PreventionGenetics, part of Exact Sciences
Classification: Likely benign for MYO7A-related condition. Last evaluated: 2024-09-09. Review status: no assertion criteria provided. Collection method: clinical testing. Allele origin: germline. Not counted in ClinVar's aggregate classification.
Comment: This variant is classified as likely benign based on ACMG/AMP sequence variant interpretation guidelines (Richards et al. 2015 PMID: 25741868, with internal and published modifications).

Natera, Inc.
Classification: Uncertain significance for Usher syndrome type 1B. Last evaluated: 2019-11-11. Review status: no assertion criteria provided. Collection method: clinical testing. Allele origin: germline. Not counted in ClinVar's aggregate classification.

NM_000260.4(MYO7A):c.2208G>A (p.Leu736=)

Gene: MYO7A (myosin VIIA; plus strand). Cytogenetic location: 11q13.5.
Variant type: single nucleotide variant.
Coding change: c.2208G>A on transcript NM_000260.4 (MANE Select); coding-DNA position 2208, G replaced by A.
Protein change: p.Leu736=; no amino-acid change (leucine 736 retained).
Molecular consequence: synonymous variant.
Genome position (GRCh38, 1-based): chr11:77,177,569, G>A. VCF-style: chr11-77177569-G-A. GRCh37 (hg19) VCF-style: chr11-76888615-G-A.
Other names: c.2208G>A, p.Leu736= (NM_001127180.2); c.2175G>A, p.Leu725= (NM_001369365.1).
Identifiers: ClinVar variation 283726 (VCV000283726.15), dbSNP rs373599360, ClinGen allele CA6197759.
Genomic context (GRCh38, chr11:77,177,569, plus strand): 5'-GAGACCTTGTGGGGCGCTGCTCAGGAGCTCTGCCTCCTAGGACCACCATGACATGCTGCT[G>A]GAAGTGGAGCGGGACAAAGCCATCACCGACAGAGTCATCCTCCTTCAGAAAGTCATCCGG-3'
Protein context (NP_000251.3, residues 726-746): IFLKDHHDML[Leu736=]EVERDKAITD